The following is an entry in ClinVar:

ClinVar aggregate classification (germline): Likely benign. Review status: criteria provided, multiple submitters, no conflicts (2 of 4 stars). 2 submissions from 2 submitters: Likely benign (2). Last evaluated 2025-11-01.

Allele frequency attached by ClinVar (database versions not stated): ESP Exome Variant Server 0.00008.
gnomAD v4.1: 232 of 1,613,654 alleles (0.014%); highest among the groups gnomAD compares: Non-Finnish European, 0.018%; no homozygotes.

Submissions (2):

CeGaT Center for Human Genetics Tuebingen
Classification: Likely benign. Last evaluated: 2025-11-01. Review status: criteria provided, single submitter. Criteria: CeGaT Center For Human Genetics Tuebingen Variant Classification Criteria Version 2. Collection method: clinical testing. Allele origin: germline. Affected: yes. Observed: 3 variant alleles.
Comment: WDR11: BP4, BP7

Labcorp Genetics (formerly Invitae), Labcorp
Classification: Likely benign. Last evaluated: 2022-04-30. Review status: criteria provided, single submitter. Criteria: Invitae Variant Classification Sherloc (09022015). Collection method: clinical testing. Allele origin: germline.

NM_018117.12(WDR11):c.1926C>T (p.Thr642=)

Gene: WDR11 (WD repeat domain 11; plus strand). Cytogenetic location: 10q26.12.
Variant type: single nucleotide variant.
Coding change: c.1926C>T on transcript NM_018117.12 (MANE Select); coding-DNA position 1926, C replaced by T.
Protein change: p.Thr642=; no amino-acid change (threonine 642 retained).
Molecular consequence: synonymous variant.
Genome position (GRCh38, 1-based): chr10:120,885,891, C>T. VCF-style: chr10-120885891-C-T. GRCh37 (hg19) VCF-style: chr10-122645403-C-T.
Identifiers: ClinVar variation 1941930 (VCV001941930.29), dbSNP rs141295889, ClinGen allele CA5719865.
Genomic context (GRCh38, chr10:120,885,891, plus strand): 5'-CAACTTGAAGAGCCTGAGAAAGAAGCAACTTGCAACTCGAGAGGCCATGGCCCGCCAGAC[C>T]GTAGTCTCAGACACAGAGCTGAGTATTGTTGAATCATCTGTGATCAGGTACAGTACAGTG-3'
Protein context (NP_060587.8, residues 632-652): LATREAMARQ[Thr642=]VVSDTELSIV